The following is an entry in ClinVar:

ClinVar aggregate classification (germline): Likely benign (1 of 4 stars; one submission).

Conditions:
Pheochromocytoma/paraganglioma syndrome 3. Also called: GLOMUS TUMORS, FAMILIAL, 3; Paragangliomas 3; SDHC-Related Hereditary Paraganglioma-Pheochromocytoma Syndrome (Paragangliomas 3); SDHC-Related Hereditary Paraganglioma-Pheochromocytoma Syndrome. Identifiers: Orphanet 29072, MedGen C1854336, MONDO:0011544, OMIM 605373.

Submission:

Myriad Genetics, Inc.
Classification: Likely benign for Pheochromocytoma/paraganglioma syndrome 3. Last evaluated: 2025-03-14. Review status: criteria provided, single submitter. Criteria: Myriad Autosomal Dominant, Autosomal Recessive and X-Linked Classification Criteria (2023). Collection method: clinical testing. Allele origin: unknown.
Comment: This variant is considered likely benign. This variant is intronic and is not expected to impact mRNA splicing.

NM_003001.5(SDHC):c.21-5T>C

Gene: SDHC (succinate dehydrogenase complex subunit C; plus strand). Cytogenetic location: 1q23.3.
Variant type: single nucleotide variant.
Coding change: c.21-5T>C on transcript NM_003001.5 (MANE Select); 5 bases into the intron before coding-DNA position 21, T replaced by C.
Molecular consequence: intron variant.
Genome position (GRCh38, 1-based): chr1:161,323,609, T>C. VCF-style: chr1-161323609-T-C. GRCh37 (hg19) VCF-style: chr1-161293399-T-C.
Other names: c.21-5T>C (NM_001035512.3, NM_001278172.3, NM_001407118.1 and 2 more transcripts); c.21-4787T>C (NM_001407116.1, NM_001407121.1, NM_001407117.1); c.20+9184T>C (NM_001035513.3); c.-91-5T>C (NM_001407119.1); c.-209-5T>C (NM_001407120.1).
Identifiers: ClinVar variation 3904423 (VCV003904423.1).
Genomic context (GRCh38, chr1:161,323,609, plus strand): 5'-GAGAAGTTGATATACTAAAGTTGATCTCTAAATGTGTATTGATTTTTGATTCTCTTATCT[T>C]GCAGACACGTTGGTCGTCATTGCCTCCGAGCCCACTTTAGCCCTCAGCTCTGTATCAGAA-3'